The following is an entry in ClinVar:

ClinVar aggregate classification (germline): Uncertain significance (1 of 4 stars; one submission).

gnomAD v4.1: 7 of 1,614,068 alleles (0.00043%); highest among the groups gnomAD compares: East Asian, 0.0045%; no homozygotes.

Submission:

Labcorp Genetics (formerly Invitae), Labcorp
Classification: Uncertain significance. Last evaluated: 2024-12-03. Review status: criteria provided, single submitter. Criteria: Invitae Variant Classification Sherloc (09022015). Collection method: clinical testing. Allele origin: germline.
Comment: This sequence change replaces threonine, which is neutral and polar, with alanine, which is neutral and non-polar, at codon 168 of the EFTUD2 protein (p.Thr168Ala). This variant is present in population databases (rs752672329, gnomAD 0.006%). This variant has not been reported in the literature in individuals affected with EFTUD2-related conditions. Invitae Evidence Modeling of protein sequence and biophysical properties (such as structural, functional, and spatial information, amino acid conservation, physicochemical variation, residue mobility, and thermodynamic stability) indicates that this missense variant is expected to disrupt EFTUD2 protein function with a positive predictive value of 80%. In summary, the available evidence is currently insufficient to determine the role of this variant in disease. Therefore, it has been classified as a Variant of Uncertain Significance.

NM_004247.4(EFTUD2):c.502A>G (p.Thr168Ala)

Gene: EFTUD2 (elongation factor Tu GTP binding domain containing 2; minus strand). Cytogenetic location: 17q21.31.
Variant type: single nucleotide variant.
Coding change: c.502A>G on transcript NM_004247.4 (MANE Select); coding-DNA position 502, A replaced by G.
Protein change: p.Thr168Ala; replaces threonine 168 with alanine.
Molecular consequence: missense variant.
Genome position (GRCh38, 1-based): chr17:44,881,713, T>C on the plus strand (A>G on the coding strand, the complement: EFTUD2 is on the minus strand). VCF-style: chr17-44881713-T-C. GRCh37 (hg19) VCF-style: chr17-42959081-T-C.
Other names: c.397A>G, p.Thr133Ala (NM_001142605.2); c.502A>G, p.Thr168Ala (NM_001258353.2); c.472A>G, p.Thr158Ala (NM_001258354.2); short protein forms T133A, T158A, T168A.
Identifiers: ClinVar variation 3705738 (VCV003705738.2).